The following is an entry in ClinVar:

ClinVar aggregate classification (germline): Likely pathogenic (1 of 4 stars; one submission).

Submission:

CeGaT Center for Human Genetics Tuebingen
Classification: Likely pathogenic. Last evaluated: 2026-08-01. Review status: criteria provided, single submitter. Criteria: CeGaT Center For Human Genetics Tuebingen Variant Classification Criteria Version 2. Collection method: clinical testing. Allele origin: germline. Affected: yes. Observed: 2 variant alleles.
Comment: RPS6KA3: PM2, PS2:Moderate, PVS1:Moderate

NM_004586.3(RPS6KA3):c.126+1G>A

Gene: RPS6KA3 (ribosomal protein S6 kinase A3; minus strand). Cytogenetic location: Xp22.12.
Variant type: single nucleotide variant.
Coding change: c.126+1G>A on transcript NM_004586.3 (MANE Select); the canonical splice donor site of the intron after coding-DNA position 126, G replaced by A.
Molecular consequence: splice donor variant.
Genome position (GRCh38, 1-based): chrX:20,234,757, C>T on the plus strand (G>A on the coding strand, the complement: RPS6KA3 is on the minus strand). VCF-style: chrX-20234757-C-T. GRCh37 (hg19) VCF-style: chrX-20252875-C-T.
Other names: c.42+1G>A (NM_001438340.1).
Identifiers: ClinVar variation 5040330 (VCV005040330.1).